The following is an entry in ClinVar:

ClinVar aggregate classification (germline): Uncertain significance (1 of 4 stars; one submission).

Conditions:
Catecholaminergic polymorphic ventricular tachycardia 1. Also called: VENTRICULAR TACHYCARDIA, STRESS-INDUCED POLYMORPHIC 1; VENTRICULAR TACHYCARDIA, CATECHOLAMINERGIC POLYMORPHIC, 1, WITH OR WITHOUT ATRIAL DYSFUNCTION AND/OR DILATED CARDIOMYOPATHY; RYR2-Related Catecholaminergic Polymorphic Ventricular Tachycardia. Identifiers: Orphanet 3286, MedGen C1631597, MONDO:0011484, OMIM 604772.

Submission:

Labcorp Genetics (formerly Invitae), Labcorp
Classification: Uncertain significance for Catecholaminergic polymorphic ventricular tachycardia 1. Last evaluated: 2021-08-04. Review status: criteria provided, single submitter. Criteria: Invitae Variant Classification Sherloc (09022015). Collection method: clinical testing. Allele origin: germline.
Comment: This variant results in a copy number gain of the genomic region encompassing exon(s) 2-4 of the RYR2 gene. While the exact position of this variant cannot be determined from the data, sub-genic copy number gains are generally in tandem (PMID: 25640679). This variant is predicted to be in-frame, and likely preserves the integrity of the reading frame. This variant has not been reported in the literature in individuals affected with RYR2-related conditions. Experimental studies and prediction algorithms are not available or were not evaluated, and the functional significance of this variant is currently unknown. In summary, the available evidence is currently insufficient to determine the role of this variant in disease. Therefore, it has been classified as a Variant of Uncertain Significance.

Literature cited by the submitters: PubMed 25640679.

NC_000001.10:g.(?_237433791)_(237519291_?)dup

Gene: RYR2 (ryanodine receptor 2; plus strand). Cytogenetic location: 1q43.
Variant type: Duplication.
Identifiers: ClinVar variation 1442766 (VCV001442766.44).